The following is an entry in ClinVar:

NM_000430.4(PAFAH1B1):c.162del (p.Lys54fs)

Gene: PAFAH1B1 (platelet activating factor acetylhydrolase 1b regulatory subunit 1; plus strand). Cytogenetic location: 17p13.3.
Variant type: Deletion.
Coding change: c.162del on transcript NM_000430.4 (MANE Select); coding-DNA position 162, one base deleted (A; older notation c.162delA).
Protein change: p.Lys54fs; shifts the reading frame from lysine 54.
Molecular consequence: frameshift variant.
Genome position (GRCh38, 1-based): chr17:2,666,060, A deleted; the last of 8 consecutive A bases (chr17:2,666,053-2,666,060); deleting any one gives the same sequence. VCF-style (leftmost placement, unchanged base first): chr17-2666052-GA-G. GRCh37 (hg19) VCF-style: chr17-2569346-GA-G.
Other names: short protein forms K54fs.
Identifiers: ClinVar variation 21180 (VCV000021180.23), dbSNP rs113994198, ClinGen allele CA341705.
Genomic context (GRCh38, chr17:2,666,052, plus strand): 5'-AAATTCTAAATTTATTTTCTCTAGAATGAAGAATTAGATAAAAAGTATGCTGGTCTTTTG[GA>G]AAAAAAATGGACATCTGTTATTAGATTACAAAAGAAGGTAACTAAGTCTTTTTTCTTTAA-3'

ClinVar aggregate classification (germline): Pathogenic. Review status: criteria provided, multiple submitters, no conflicts (2 of 4 stars). 8 submissions from 8 submitters: Pathogenic (8). Last evaluated 2025-05-22.

Conditions:
PAFAH1B1-related disorder. Also called: PAFAH1B1-related condition.
Lissencephaly due to LIS1 mutation (LIS1). Also called: PAFAH1B1-Related Lissencephaly/Subcortical Band Heterotopia; Isolated Lissencephaly Sequence; PAFAH1B1-Associated Lissencephaly/Subcortical Band Heterotopia. Identifiers: Orphanet 95232, MedGen C4749301, MONDO:0011830, OMIM 607432.

Submissions (8):

Institute of Immunology and Genetics Kaiserslautern
Classification: Pathogenic for Lissencephaly due to LIS1 mutation. Last evaluated: 2025-05-22. Review status: criteria provided, single submitter. Criteria: ACMG Guidelines, 2015. Collection method: clinical testing. Allele origin: de novo. Affected: yes.
Comment: ACMG Criteria: PVS1, PS2, PM1, PP5; Variant was found in mosaic state (VAF 19%). De novo-status was confirmed via in-house segregation analysis.

GeneDx
Classification: Pathogenic. Last evaluated: 2024-08-13. Review status: criteria provided, single submitter. Criteria: GeneDx Variant Classification Process June 2021. Collection method: clinical testing. Allele origin: germline. Affected: yes.
Comment: Reported previously multiple times in association with lissencephaly (PMID: 9860301, 21410694, 20301752); Frameshift variant predicted to result in protein truncation or nonsense mediated decay in a gene for which loss-of-function is a known mechanism of disease; This variant is associated with the following publications: (PMID: 21410694, 20301752, 11502906, 14581661, 10441340, 32005694, 36100855, 32906206, 9860301)

Blueprint Genetics
Classification: Pathogenic for PAFAH1B1-related disorders. Last evaluated: 2024-03-21. Review status: criteria provided, single submitter. Criteria: ACMG Guidelines, 2015. Collection method: clinical testing. Allele origin: germline. Affected: yes. Observed: 2 variant alleles.

Labcorp Genetics (formerly Invitae), Labcorp
Classification: Pathogenic. Last evaluated: 2023-08-30. Review status: criteria provided, single submitter. Criteria: Invitae Variant Classification Sherloc (09022015). Collection method: clinical testing. Allele origin: germline.
Comment: For these reasons, this variant has been classified as Pathogenic. ClinVar contains an entry for this variant (Variation ID: 21180). This premature translational stop signal has been observed in individual(s) with lissencephaly (PMID: 9860301, 21410694). The frequency data for this variant in the population databases is considered unreliable, as metrics indicate poor data quality at this position in the gnomAD database. This sequence change creates a premature translational stop signal (p.Lys54Asnfs*15) in the PAFAH1B1 gene. It is expected to result in an absent or disrupted protein product. Loss-of-function variants in PAFAH1B1 are known to be pathogenic (PMID: 1671808, 11115846, 14581661).

Mendelics
Classification: Pathogenic for Lissencephaly due to LIS1 mutation. Last evaluated: 2022-05-04. Review status: criteria provided, single submitter. Criteria: Mendelics Assertion Criteria 2019. Collection method: clinical testing. Allele origin: germline.

3billion
Classification: Pathogenic for Lissencephaly due to LIS1 mutation. Last evaluated: 2022-01-03. Review status: criteria provided, single submitter. Criteria: ACMG Guidelines, 2015. Collection method: clinical testing. Allele origin: germline. Affected: yes. Observed: 1 heterozygote.
Comment: Frameshift: predicted to result in a loss or disruption of normal protein function through nonsense-mediated decay (NMD) or protein truncation. Multiple pathogenic variants are reported downstream of the variant (PVS1_VS). The variant has been reported at least twice as pathogenic/likely pathogenic with clinical assertions and evidence for the classification (ClinVar ID: VCV000021180, PMID:9860301). Therefore, this variant is classified as pathogenic according to the recommendation of ACMG/AMP guideline.

Geisinger Autism and Developmental Medicine Institute, Geisinger Health System
Classification: Pathogenic for Lissencephaly due to LIS1 mutation. Last evaluated: 2017-08-28. Review status: criteria provided, single submitter. Criteria: ACMG Guidelines, 2015. Collection method: provider interpretation, clinical testing. Allele origin: unknown. Affected: yes. Observed: 1 variant allele.
Comment: A paternal sample is unavailable, so inheritance of the variant is unknown, but it is assumed to be de novo. The c.162delA variant has been reported multiple times previously in association with lissencephaly (Sakamoto et al., 1998; de Wit et al., 2011; Dobyns and Das, 2014). Other researchers have identified patients who had subcortical band heterotopia that had somatic mosaicism for variants in the PAFAH1B1 gene (PMIDs: 10441340, 11502906, 14581661); their phenotypes were noted to be less severe than individuals not mosaic for the variants.

Genetic Services Laboratory, University of Chicago
Classification: Pathogenic for Lissencephaly 1. Last evaluated: 2013-02-08. Review status: criteria provided, single submitter. Criteria: ACMG Guidelines, 2007. Collection method: clinical testing. Allele origin: germline. Inheritance: Autosomal dominant inheritance. Affected: yes.

Literature cited by the submitters: PubMed 9860301 (cited by Labcorp Genetics (formerly Invitae), Labcorp and 3billion); PubMed 21410694 (cited by Labcorp Genetics (formerly Invitae), Labcorp); PubMed 1671808 (cited by Labcorp Genetics (formerly Invitae), Labcorp); PubMed 11115846 (cited by Labcorp Genetics (formerly Invitae), Labcorp); PubMed 14581661 (cited by Labcorp Genetics (formerly Invitae), Labcorp and Geisinger Autism and Developmental Medicine Institute, Geisinger Health System); PubMed 10441340 (cited by Geisinger Autism and Developmental Medicine Institute, Geisinger Health System); PubMed 11502906 (cited by Geisinger Autism and Developmental Medicine Institute, Geisinger Health System).